The following is an entry in ClinVar:

NM_001194.4(HCN2):c.2384A>G (p.Tyr795Cys)

Gene: HCN2 (hyperpolarization activated cyclic nucleotide gated potassium and sodium channel 2; plus strand). Cytogenetic location: 19p13.3.
Variant type: single nucleotide variant.
Coding change: c.2384A>G on transcript NM_001194.4 (MANE Select); coding-DNA position 2384, A replaced by G.
Protein change: p.Tyr795Cys; replaces tyrosine 795 with cysteine.
Molecular consequence: missense variant.
Genome position (GRCh38, 1-based): chr19:616,188, A>G. VCF-style: chr19-616188-A-G. GRCh37 (hg19) VCF-style: chr19-616188-A-G.
Other names: short protein forms Y795C.
Identifiers: ClinVar variation 2536061 (VCV002536061.2), dbSNP rs1449219480, ClinGen allele CA402887869.

ClinVar aggregate classification (germline): Uncertain significance (1 of 4 stars; one submission).

Conditions:
Inborn genetic diseases. Identifiers: MedGen C0950123, MeSH D030342.

Submission:

Ambry Genetics
Classification: Uncertain significance for Inborn genetic diseases. Last evaluated: 2023-04-11. Review status: criteria provided, single submitter. Criteria: Ambry Variant Classification Scheme 2023. Collection method: clinical testing. Allele origin: germline.
Comment: The c.2384A>G (p.Y795C) alteration is located in exon 8 (coding exon 8) of the HCN2 gene. This alteration results from an A to G substitution at nucleotide position 2384, causing the tyrosine (Y) at amino acid position 795 to be replaced by a cysteine (C). This variant was not reported in population-based cohorts in the Genome Aggregation Database (gnomAD). This amino acid position is conserved in available vertebrate species with limited sequence alignment. This missense alteration is located in a region that has a low rate of benign missense variation (Lek, 2016; Firth, 2009). This alteration is predicted to be tolerated by in silico analysis. Based on insufficient or conflicting evidence, the clinical significance of this alteration remains unclear.